The following is an entry in ClinVar:

NM_003816.3(ADAM9):c.76G>C (p.Val26Leu)

Genes: ADAM9 (ADAM metallopeptidase domain 9; plus strand), LOC130000261 (ATAC-STARR-seq lymphoblastoid active region 27275; plus strand). Cytogenetic location: 8p11.22.
Variant type: single nucleotide variant.
Coding change: c.76G>C on transcript NM_003816.3 (MANE Select); coding-DNA position 76, G replaced by C.
Protein change: p.Val26Leu; replaces valine 26 with leucine.
Molecular consequence: missense variant. On other transcripts: non-coding transcript variant (3).
Genome position (GRCh38, 1-based): chr8:38,997,139, G>C. VCF-style: chr8-38997139-G-C. GRCh37 (hg19) VCF-style: chr8-38854658-G-C.
Other names: short protein forms V26L.
Identifiers: ClinVar variation 1393622 (VCV001393622.4), dbSNP rs374274112, ClinGen allele CA4721187.
Genomic context (GRCh38, chr8:38,997,139, plus strand): 5'-CGCTTTCCCTCGGGGACCCTTCGTGTCCGGTGGTTGCTGTTGCTTGGCCTGGTGGGCCCA[G>C]TCCTCGGTGCGGCGCGGCCAGGTGGGTGTCCGCGCCCCGGGTCGGTTGGGACGGCTGCTT-3'
Protein context (NP_003807.1, residues 16-36): WLLLLGLVGP[Val26Leu]LGAARPGFQQ

ClinVar aggregate classification (germline): Uncertain significance (1 of 4 stars; one submission).

Allele frequency attached by ClinVar (database versions not stated): ExAC 0.00005; gnomAD exomes 0.00003; gnomAD 0.00001; ESP Exome Variant Server 0.00008; TOPMed 0.00002.
gnomAD v4.1: 15 of 1,602,362 alleles (0.00094%); highest among the groups gnomAD compares: Middle Eastern, 0.066%; no homozygotes.

Submission:

Labcorp Genetics (formerly Invitae), Labcorp
Classification: Uncertain significance. Last evaluated: 2022-06-14. Review status: criteria provided, single submitter. Criteria: Invitae Variant Classification Sherloc (09022015). Collection method: clinical testing. Allele origin: germline.
Comment: In summary, the available evidence is currently insufficient to determine the role of this variant in disease. Therefore, it has been classified as a Variant of Uncertain Significance. Algorithms developed to predict the effect of missense changes on protein structure and function (SIFT, PolyPhen-2, Align-GVGD) all suggest that this variant is likely to be tolerated. This variant has not been reported in the literature in individuals affected with ADAM9-related conditions. This variant is present in population databases (rs374274112, gnomAD 0.006%). This sequence change replaces valine, which is neutral and non-polar, with leucine, which is neutral and non-polar, at codon 26 of the ADAM9 protein (p.Val26Leu).